The following is an entry in ClinVar:

ClinVar aggregate classification (germline): Likely pathogenic. Review status: criteria provided, multiple submitters, no conflicts (2 of 4 stars). 2 submissions from 2 submitters: Likely pathogenic (2). Last evaluated 2025-03-15.

Conditions:
Autosomal dominant and autosomal recessive PIEZO2-related disorders.
Arthrogryposis, distal, with impaired proprioception and touch (DAIPT). Identifiers: MedGen C4310692, MONDO:0014941, OMIM 617146.

Submissions (2):

Variantyx, Inc.
Classification: Likely pathogenic for Autosomal dominant and autosomal recessive PIEZO2-related disorders. Last evaluated: 2025-03-15. Review status: criteria provided, single submitter. Criteria: Variantyx Assertion Criteria 2022. Collection method: clinical testing. Allele origin: de novo. Inheritance: Autosomal dominant inheritance. Affected: yes.
Comment: This is a nonsynonymous variant in the PIEZO2 gene (OMIM: 613629). Pathogenic variants in this gene have been associated with autosomal dominant PIEZO2-related disorders (PMID:24726473;1941966;1510371). Multiple computational algorithms predict a deleterious effect for this variant (REVEL score: 0.747) (PP3). This variant is absent from control populations (PM2). Based on the current evidence, this variant is classified as likely pathogenic for autosomal dominant PIEZO2-related disorders.

Victorian Clinical Genetics Services, Murdoch Childrens Research Institute
Classification: Likely pathogenic for Arthrogryposis, distal, with impaired proprioception and touch. Last evaluated: 2020-06-11. Review status: criteria provided, single submitter. Criteria: ACMG Guidelines, 2015. Collection method: clinical testing. Allele origin: germline. Affected: yes.
Comment: Based on the classification scheme VCGS_Germline_v1.1.1, this variant is classified as Likely pathogenic. Following criteria are met: 0103 - Both loss- and gain-of-function are known mechanisms of disease for this gene. Loss of function has been associated with NMD variants while gain of function has been associated with missense variants clustered in the C-terminal (PMID: 30988732). (N) 0108 - This gene is known to be associated with both recessive and dominant disease. Dominant variants are generally missense and are clustered at the C-terminal (PMID: 30988732). (N) 0200 - Variant is predicted to result in a missense amino acid change from glycine to arginine (exon 46). (N) 0251 - Variant is heterozygous. (N) 0301 - Variant is absent from gnomAD. (P) 0501 - Missense variant consistently predicted to be damaging by multiple in silico tools or highly conserved with a major amino acid change. (P) 0600 - Variant is located in an annotated domain or motif. In the PIEZO_RRAS binding domain (DECIPHER, NCBI, PDB) (N) 0705 - No comparable variants have previous evidence for pathogenicity. (N) 0807 - Variant has not previously been reported in a clinical context. (N) 0905 - No segregation evidence has been identified for this variant. (N) 1007 - No published functional evidence has been identified for this variant. (N) 1102 - Strong phenotype match. (P) Legend: (P) - Pathogenic, (N) - Neutral, (B) - Benign

Literature cited by the submitters: PubMed 24726473 (cited by Variantyx, Inc.); PubMed 1941966 (cited by Variantyx, Inc.); PubMed 1510371 (cited by Variantyx, Inc.); PubMed 30988732 (cited by Victorian Clinical Genetics Services, Murdoch Childrens Research Institute).

NM_001378183.1(PIEZO2):c.7555G>A (p.Gly2519Arg)

Gene: PIEZO2 (piezo type mechanosensitive ion channel component 2; minus strand). Cytogenetic location: 18p11.22.
Variant type: single nucleotide variant.
Coding change: c.7555G>A on transcript NM_001378183.1 (MANE Select); coding-DNA position 7555, G replaced by A.
Protein change: p.Gly2519Arg; replaces glycine 2519 with arginine.
Molecular consequence: missense variant.
Genome position (GRCh38, 1-based): chr18:10,682,235, C>T on the plus strand (G>A on the coding strand, the complement: PIEZO2 is on the minus strand). VCF-style: chr18-10682235-C-T. GRCh37 (hg19) VCF-style: chr18-10682232-C-T.
Other names: c.7291G>A, p.Gly2431Arg (NM_001410871.1); c.7216G>A, p.Gly2406Arg (NM_022068.4); short protein forms G2406R, G2431R, G2519R.
Identifiers: ClinVar variation 3377454 (VCV003377454.2).